The following is an entry in ClinVar:

NM_001145026.2(PTPRQ):c.2477A>G (p.Tyr826Cys)

Gene: PTPRQ (protein tyrosine phosphatase receptor type Q; plus strand). Cytogenetic location: 12q21.31.
Variant type: single nucleotide variant.
Coding change: c.2477A>G on transcript NM_001145026.2 (MANE Select); coding-DNA position 2477, A replaced by G.
Protein change: p.Tyr826Cys; replaces tyrosine 826 with cysteine.
Molecular consequence: missense variant.
Genome position (GRCh38, 1-based): chr12:80,506,590, A>G. VCF-style: chr12-80506590-A-G. GRCh37 (hg19) VCF-style: chr12-80900369-A-G.
Other names: short protein forms Y826C.
Identifiers: ClinVar variation 4976547 (VCV004976547.1).

ClinVar aggregate classification (germline): Uncertain significance (1 of 4 stars; one submission).

gnomAD v4.1: 17 of 1,536,874 alleles (0.0011%); highest among the groups gnomAD compares: East Asian, 0.0025%; no homozygotes.

Submission:

GeneDx
Classification: Uncertain significance. Last evaluated: 2026-02-17. Review status: criteria provided, single submitter. Criteria: GeneDx Variant Classification Process June 2021. Collection method: clinical testing. Allele origin: germline.
Comment: Not observed at significant frequency in large population cohorts (gnomAD); In silico analysis supports that this missense variant has a deleterious effect on protein structure/function; Has not been previously published as pathogenic or benign to our knowledge